The following is an entry in ClinVar:

NM_001211.6(BUB1B):c.796A>G (p.Met266Val)

Gene: BUB1B (BUB1 mitotic checkpoint serine/threonine kinase B; plus strand). Cytogenetic location: 15q15.1.
Variant type: single nucleotide variant.
Coding change: c.796A>G on transcript NM_001211.6 (MANE Select); coding-DNA position 796, A replaced by G.
Protein change: p.Met266Val; replaces methionine 266 with valine.
Molecular consequence: missense variant.
Genome position (GRCh38, 1-based): chr15:40,185,209, A>G. VCF-style: chr15-40185209-A-G. GRCh37 (hg19) VCF-style: chr15-40477410-A-G.
Other names: short protein forms M266V.
Identifiers: ClinVar variation 1761421 (VCV001761421.5), dbSNP rs2542535351, ClinGen allele CA391684010.
Genomic context (GRCh38, chr15:40,185,209, plus strand): 5'-ATATTTTTGCTCCTAGCTCCAAGCCAGAACAGAGGACTCCAAAATCCATTTCCTCAACAG[A>G]TGCAAAATAATAGTAGAATTACTGTTTTTGATGAAAATGCTGATGAGGCTTCTACAGCAG-3'
Protein context (NP_001202.5, residues 256-276): RGLQNPFPQQ[Met266Val]QNNSRITVFD

ClinVar aggregate classification (germline): Uncertain significance. Review status: criteria provided, multiple submitters, no conflicts (2 of 4 stars). 2 submissions from 2 submitters: Uncertain significance (2). Last evaluated 2024-07-08.

Conditions:
Mosaic variegated aneuploidy syndrome 1 (MVA1). Also called: Warburton-Anyane-Yeboa syndrome. Identifiers: Orphanet 1052, MedGen C1850343, MONDO:0009759, OMIM 257300.
Inborn genetic diseases. Identifiers: MedGen C0950123, MeSH D030342.

Allele frequency attached by ClinVar (database versions not stated): gnomAD exomes below 0.00001.
gnomAD v4.1: 1 of 1,614,164 alleles (0.000062%); highest among the groups gnomAD compares: Non-Finnish European, 0.000085%; no homozygotes.

Submissions (2):

Ambry Genetics
Classification: Uncertain significance for Inborn genetic diseases. Last evaluated: 2024-07-08. Review status: criteria provided, single submitter. Criteria: Ambry Variant Classification Scheme 2023. Collection method: clinical testing. Allele origin: germline.
Comment: The p.M266V variant (also known as c.796A>G), located in coding exon 7 of the BUB1B gene, results from an A to G substitution at nucleotide position 796. The methionine at codon 266 is replaced by valine, an amino acid with highly similar properties. This amino acid position is conserved. In addition, this alteration is predicted to be tolerated by in silico analysis. Since supporting evidence is limited at this time, the clinical significance of this alteration remains unclear.

Labcorp Genetics (formerly Invitae), Labcorp
Classification: Uncertain significance for Mosaic variegated aneuploidy syndrome 1. Last evaluated: 2024-07-01. Review status: criteria provided, single submitter. Criteria: Invitae Variant Classification Sherloc (09022015). Collection method: clinical testing. Allele origin: germline.
Comment: This sequence change replaces methionine, which is neutral and non-polar, with valine, which is neutral and non-polar, at codon 266 of the BUB1B protein (p.Met266Val). This variant is not present in population databases (gnomAD no frequency). This variant has not been reported in the literature in individuals affected with BUB1B-related conditions. ClinVar contains an entry for this variant (Variation ID: 1761421). Algorithms developed to predict the effect of missense changes on protein structure and function output the following: SIFT: "Not Available"; PolyPhen-2: "Benign"; Align-GVGD: "Not Available". The valine amino acid residue is found in multiple mammalian species, which suggests that this missense change does not adversely affect protein function. In summary, the available evidence is currently insufficient to determine the role of this variant in disease. Therefore, it has been classified as a Variant of Uncertain Significance.